The following is an entry in ClinVar:

ClinVar aggregate classification (germline): Uncertain significance. Review status: criteria provided, multiple submitters, no conflicts (2 of 4 stars). 2 submissions from 2 submitters: Uncertain significance (2). Last evaluated 2025-04-20.

Submissions (2):

Ambry Genetics
Classification: Uncertain significance. Last evaluated: 2025-04-20. Review status: criteria provided, single submitter. Criteria: Ambry Variant Classification Scheme 2023. Collection method: clinical testing. Allele origin: germline.
Comment: The p.V102L variant (also known as c.304G>C), located in coding exon 3 of the RECQL gene, results from a G to C substitution at nucleotide position 304. The valine at codon 102 is replaced by leucine, an amino acid with highly similar properties. This amino acid position is not well conserved in available vertebrate species. In addition, this alteration is predicted to be tolerated by in silico analysis. Since supporting evidence is limited at this time, the clinical significance of this alteration remains unclear.

Labcorp Genetics (formerly Invitae), Labcorp
Classification: Uncertain significance. Last evaluated: 2024-09-12. Review status: criteria provided, single submitter. Criteria: Invitae Variant Classification Sherloc (09022015). Collection method: clinical testing. Allele origin: germline.
Comment: This sequence change replaces valine, which is neutral and non-polar, with leucine, which is neutral and non-polar, at codon 102 of the RECQL protein (p.Val102Leu). This variant is not present in population databases (gnomAD no frequency). This variant has not been reported in the literature in individuals affected with RECQL-related conditions. ClinVar contains an entry for this variant (Variation ID: 1799253). Invitae Evidence Modeling of protein sequence and biophysical properties (such as structural, functional, and spatial information, amino acid conservation, physicochemical variation, residue mobility, and thermodynamic stability) indicates that this missense variant is not expected to disrupt RECQL protein function with a negative predictive value of 80%. In summary, the available evidence is currently insufficient to determine the role of this variant in disease. Therefore, it has been classified as a Variant of Uncertain Significance.

NM_002907.4(RECQL):c.304G>C (p.Val102Leu)

Gene: RECQL (RecQ like helicase; minus strand). Cytogenetic location: 12p12.1.
Variant type: single nucleotide variant.
Coding change: c.304G>C on transcript NM_002907.4 (MANE Select); coding-DNA position 304, G replaced by C.
Protein change: p.Val102Leu; replaces valine 102 with leucine.
Molecular consequence: missense variant.
Genome position (GRCh38, 1-based): chr12:21,490,289, C>G on the plus strand (G>C on the coding strand, the complement: RECQL is on the minus strand). VCF-style: chr12-21490289-C-G. GRCh37 (hg19) VCF-style: chr12-21643223-C-G.
Other names: c.304G>C, p.Val102Leu (NM_032941.3); short protein forms V102L.
Identifiers: ClinVar variation 1799253 (VCV001799253.6), dbSNP rs1065751, ClinGen allele CA233583164.